The following is an entry in ClinVar:

ClinVar aggregate classification (germline): Pathogenic (1 of 4 stars; one submission).

Conditions:
Dyskeratosis congenita, autosomal dominant 2. Identifiers: MedGen C3151443, MONDO:0013521, OMIM 613989.
Idiopathic Pulmonary Fibrosis. Also called: Idiopathic fibrosing alveolitis, chronic form; idiopathic fibrosing alveolitis. Identifiers: Orphanet 2032, MedGen C1800706, MeSH D054990, MONDO:0800504.

Submission:

Labcorp Genetics (formerly Invitae), Labcorp
Classification: Pathogenic for Dyskeratosis congenita, autosomal dominant 2; Idiopathic Pulmonary Fibrosis. Last evaluated: 2025-10-20. Review status: criteria provided, single submitter. Criteria: Invitae Variant Classification Sherloc (09022015). Collection method: clinical testing. Allele origin: germline.
Comment: This sequence change creates a premature translational stop signal (p.Val10Leufs*74) in the TERT gene. It is expected to result in an absent or disrupted protein product. Loss-of-function variants in TERT are known to be pathogenic (PMID: 16247010, 17460043). This variant is not present in population databases (gnomAD no frequency). This variant has not been reported in the literature in individuals affected with TERT-related conditions. For these reasons, this variant has been classified as Pathogenic.

Literature cited by the submitters: PubMed 16247010; PubMed 17460043.

NM_198253.3(TERT):c.11_27dup (p.Val10fs)

Genes: TERT (telomerase reverse transcriptase; minus strand), LOC110806263 (TERT 5' regulatory region; plus strand). Cytogenetic location: 5p15.33.
Variant type: Duplication.
Coding change: c.11_27dup on transcript NM_198253.3 (MANE Select); coding-DNA positions 11 to 27, 17 bases duplicated (CTCCCCGCTGCCGAGCC).
Protein change: p.Val10fs; shifts the reading frame from valine 10.
Molecular consequence: frameshift variant. On other transcripts: non-coding transcript variant (2).
Genome position (GRCh38, 1-based): chr5:1,294,963-1,294,979, GGCTCGGCAGCGGGGAG duplicated on the plus strand (CTCCCCGCTGCCGAGCC on the coding strand, the reverse complement: TERT is on the minus strand). VCF-style (leftmost placement, unchanged base first): chr5-1294962-C-CGGCTCGGCAGCGGGGAG. GRCh37 (hg19) VCF-style: chr5-1295077-C-CGGCTCGGCAGCGGGGAG.
Other names: c.11_27dup, p.Val10fs (NM_001193376.3); short protein forms V10fs.
Identifiers: ClinVar variation 4786345 (VCV004786345.1).